The following is an entry in ClinVar:

ClinVar aggregate classification (germline): Uncertain significance. Review status: criteria provided, multiple submitters, no conflicts (2 of 4 stars). 2 submissions from 2 submitters: Uncertain significance (2). Last evaluated 2023-04-26.

Allele frequency attached by ClinVar (database versions not stated): ExAC 0.00001; gnomAD exomes 0.00001; TOPMed 0.00002.
gnomAD v4.1: 15 of 1,613,864 alleles (0.00093%); highest among the groups gnomAD compares: East Asian, 0.0045%; no homozygotes.

Submissions (2):

Labcorp Genetics (formerly Invitae), Labcorp
Classification: Uncertain significance. Last evaluated: 2023-04-26. Review status: criteria provided, single submitter. Criteria: Invitae Variant Classification Sherloc (09022015). Collection method: clinical testing. Allele origin: germline.
Comment: In summary, the available evidence is currently insufficient to determine the role of this variant in disease. Therefore, it has been classified as a Variant of Uncertain Significance. Advanced modeling of protein sequence and biophysical properties (such as structural, functional, and spatial information, amino acid conservation, physicochemical variation, residue mobility, and thermodynamic stability) performed at Invitae indicates that this missense variant is not expected to disrupt ELOVL4 protein function. ClinVar contains an entry for this variant (Variation ID: 1477845). This variant has not been reported in the literature in individuals affected with ELOVL4-related conditions. This variant is present in population databases (rs764637851, gnomAD 0.006%). This sequence change replaces arginine, which is basic and polar, with histidine, which is basic and polar, at codon 76 of the ELOVL4 protein (p.Arg76His).

Blueprint Genetics
Classification: Uncertain significance. Last evaluated: 2019-02-28. Review status: criteria provided, single submitter. Criteria: ACMG Guidelines, 2015. Collection method: clinical testing. Allele origin: germline.

NM_022726.4(ELOVL4):c.227G>A (p.Arg76His)

Gene: ELOVL4 (ELOVL fatty acid elongase 4; minus strand). Cytogenetic location: 6q14.1.
Variant type: single nucleotide variant.
Coding change: c.227G>A on transcript NM_022726.4 (MANE Select); coding-DNA position 227, G replaced by A.
Protein change: p.Arg76His; replaces arginine 76 with histidine.
Molecular consequence: missense variant.
Genome position (GRCh38, 1-based): chr6:79,926,255, C>T on the plus strand (G>A on the coding strand, the complement: ELOVL4 is on the minus strand). VCF-style: chr6-79926255-C-T. GRCh37 (hg19) VCF-style: chr6-80635972-C-T.
Other names: short protein forms R76H.
Identifiers: ClinVar variation 1477845 (VCV001477845.7), dbSNP rs764637851, ClinGen allele CA3901590.